The following is an entry in ClinVar:

ClinVar aggregate classification (germline): Uncertain significance. Review status: criteria provided, multiple submitters, no conflicts (2 of 4 stars). 3 submissions from 3 submitters: Uncertain significance (2). 1 of the submissions does not count toward it. Last evaluated 2016-06-16.

Conditions:
TTN-related disorder. Also called: TTN-related disorders; TTN-related condition; TTN-related disease.
Cardiomyopathy (CMYO). Also called: Cardiomyopathies. Identifiers: Orphanet 167848, MedGen C0878544, MONDO:0004994, HP:0001638. Inheritance: Various modes of inheritance.

Allele frequency attached by ClinVar (database versions not stated): TOPMed 0.00001; gnomAD 0.00002.
gnomAD v4.1: 19 of 1,612,120 alleles (0.0012%); highest among the groups gnomAD compares: East Asian, 0.0022%; no homozygotes.

Submissions (3):

CHEO Genetics Diagnostic Laboratory, Children's Hospital of Eastern Ontario
Classification: Uncertain significance for Cardiomyopathy. Last evaluated: 2016-06-16. Review status: criteria provided, single submitter. Criteria: ACMG Guidelines, 2015. Collection method: clinical testing. Allele origin: germline. Study: Canadian Open Genetics Repository.

Laboratory for Molecular Medicine, Mass General Brigham Personalized Medicine
Classification: Uncertain significance. Last evaluated: 2014-09-04. Review status: criteria provided, single submitter. Criteria: LMM Criteria. Collection method: clinical testing. Allele origin: germline. Observed: 1 variant allele.
Comment: The Ile12480Thr variant in TTN has not been previously reported in individuals w ith cardiomyopathy and was absent from large population studies. Computational p rediction tools and conservation analysis do not provide strong support for or a gainst an impact to the protein. In summary, the clinical significance of the Il e12480Thr variant is uncertain.

PreventionGenetics, part of Exact Sciences
Classification: Uncertain significance for TTN-related condition. Last evaluated: 2024-04-17. Review status: no assertion criteria provided. Collection method: clinical testing. Allele origin: germline. Not counted in ClinVar's aggregate classification.
Comment: The TTN c.45143T>C variant is predicted to result in the amino acid substitution p.Ile15048Thr. This variant was reported in an individual with left ventricular noncompaction (Table S2, Mazzarotto et al. 2021. PubMed ID: 33500567). This variant is reported in 0.0018% of alleles in individuals of European (Non-Finnish) descent in gnomAD. At this time, the clinical significance of this variant is uncertain due to the absence of conclusive functional and genetic evidence.

NM_001267550.2(TTN):c.45143T>C (p.Ile15048Thr)

Genes: TTN (titin; minus strand), LOC126806427 (BRD4-independent group 4 enhancer GRCh37_chr2:179485777-179486976; plus strand). Cytogenetic location: 2q31.2.
Variant type: single nucleotide variant.
Coding change: c.45143T>C on transcript NM_001267550.2 (MANE Select); coding-DNA position 45143, T replaced by C.
Protein change: p.Ile15048Thr; replaces isoleucine 15048 with threonine.
Molecular consequence: missense variant.
Genome position (GRCh38, 1-based): chr2:178,621,681, A>G on the plus strand (T>C on the coding strand, the complement: TTN is on the minus strand). VCF-style: chr2-178621681-A-G. GRCh37 (hg19) VCF-style: chr2-179486408-A-G.
Other names: c.17948T>C, p.Ile5983Thr (NM_003319.4); c.18323T>C, p.Ile6108Thr (NM_133432.3); c.18524T>C, p.Ile6175Thr (NM_133437.4); c.40220T>C, p.Ile13407Thr (NM_001256850.1); c.37439T>C, p.Ile12480Thr (NM_133378.4); short protein forms I12480T, I15048T, I13407T, I5983T, I6108T, I6175T.
Identifiers: ClinVar variation 179982 (VCV000179982.8), dbSNP rs727505261, ClinGen allele CA185572.
Genomic context (GRCh38, chr2:178,621,681, plus strand): 5'-TCATCCCCTTTATACCAAATCACTTCTGCGCCAGGTTTGGAGACTTCACAAACCAGTTTT[A>G]TAGTGTCTGTTTCACTAACTTCAATGTTGGCAAGATTTTTGGTAAAGACAGCTTCTTCTT-3'
Protein context (NP_001254479.2, residues 15038-15058): ANIEVSETDT[Ile15048Thr]KLVCEVSKPG